The following is an entry in ClinVar:

ClinVar aggregate classification (germline): Uncertain significance. Review status: criteria provided, multiple submitters, no conflicts (2 of 4 stars). 2 submissions from 2 submitters: Uncertain significance (2). Last evaluated 2024-07-31.

gnomAD v4.1: 17 of 1,614,156 alleles (0.0011%); highest among the groups gnomAD compares: African/African-American, 0.012%; no homozygotes.

Submissions (2):

GeneDx
Classification: Uncertain significance. Last evaluated: 2024-07-31. Review status: criteria provided, single submitter. Criteria: GeneDx Variant Classification Process June 2021. Collection method: clinical testing. Allele origin: germline. Affected: yes.
Comment: Not observed at significant frequency in large population cohorts (gnomAD); In silico analysis indicates that this missense variant does not alter protein structure/function; Has not been previously published as pathogenic or benign to our knowledge

Blueprint Genetics
Classification: Uncertain significance. Last evaluated: 2024-06-12. Review status: criteria provided, single submitter. Criteria: ACMG Guidelines, 2015. Collection method: clinical testing. Allele origin: germline.

NM_012144.4(DNAI1):c.1225G>A (p.Ala409Thr)

Gene: DNAI1 (dynein axonemal intermediate chain 1; plus strand). Cytogenetic location: 9p13.3.
Variant type: single nucleotide variant.
Coding change: c.1225G>A on transcript NM_012144.4 (MANE Select); coding-DNA position 1225, G replaced by A.
Protein change: p.Ala409Thr; replaces alanine 409 with threonine.
Molecular consequence: missense variant.
Genome position (GRCh38, 1-based): chr9:34,506,788, G>A. VCF-style: chr9-34506788-G-A. GRCh37 (hg19) VCF-style: chr9-34506786-G-A.
Other names: c.1237G>A, p.Ala413Thr (NM_001281428.2); short protein forms A409T, A413T.
Identifiers: ClinVar variation 3603047 (VCV003603047.2).
Genomic context (GRCh38, chr9:34,506,788, plus strand): 5'-CTCGACATCCACGTGGACCACCCCTACCTGGTGGCAGTAGGCCACTATGACGGCAACGTG[G>A]CCATTTACAACCTCAAGAAGCCCCACTCCCAGCCCTCCTTCTGCAGCTCAGCCAAGTCTG-3'
Protein context (NP_036276.1, residues 399-419): VAVGHYDGNV[Ala409Thr]IYNLKKPHSQ